The following is an entry in ClinVar:

NM_001130004.2(ACTN1):c.2659G>A (p.Ala887Thr)

Gene: ACTN1 (actinin alpha 1; minus strand). Cytogenetic location: 14q24.1.
Variant type: single nucleotide variant.
Coding change: c.2659G>A on transcript NM_001130004.2 (MANE Select); coding-DNA position 2659, G replaced by A.
Protein change: p.Ala887Thr; replaces alanine 887 with threonine.
Molecular consequence: missense variant.
Genome position (GRCh38, 1-based): chr14:68,874,945, C>T on the plus strand (G>A on the coding strand, the complement: ACTN1 is on the minus strand). VCF-style: chr14-68874945-C-T. GRCh37 (hg19) VCF-style: chr14-69341662-C-T.
Other names: p.Ala887Thr; c.2590G>A, p.Ala864Thr (NM_001424017.1); c.2554G>A, p.Ala852Thr (NM_001424018.1); c.2539G>A, p.Ala847Thr (NM_001424019.1); c.2530G>A, p.Ala844Thr (NM_001424020.1); c.2524G>A, p.Ala842Thr (NM_001424021.1); c.2515G>A, p.Ala839Thr (NM_001424022.1); c.2512G>A, p.Ala838Thr (NM_001424023.1); and 15 more; short protein forms A795T, A838T, A844T, A852T, A864T, A894T, A907T, A777T.
Identifiers: ClinVar variation 2918668 (VCV002918668.4), dbSNP rs757585091, ClinGen allele CA7241886.
Genomic context (GRCh38, chr14:68,874,945, plus strand): 5'-CCGTGGAGAAGGACATGTAGTCCAGAGCACCTGGCACGGAGTCGGGGCCGGTGTAGGGGG[C>T]CATCCGCGCGATGCAGTACTCAGCCTGGTCGGGTGGCAGCTCGCGGCGCAGCTCGTCCAT-3'
Protein context (NP_001123476.1, residues 877-897): DQAEYCIARM[Ala887Thr]PYTGPDSVPG

ClinVar aggregate classification (germline): Conflicting classifications of pathogenicity. Review status: criteria provided, conflicting classifications (1 of 4 stars). 2 submissions from 2 submitters: Uncertain significance (1); Likely benign (1). Last evaluated 2025-10-15.

Allele frequency attached by ClinVar (database versions not stated): gnomAD 0.00005; TOPMed 0.00005; ExAC 0.00007; gnomAD exomes 0.00011.
gnomAD v4.1: 168 of 1,613,226 alleles (0.01%); highest among the groups gnomAD compares: Non-Finnish European, 0.011%; no homozygotes.

Submissions (2):

Labcorp Genetics (formerly Invitae), Labcorp
Classification: Likely benign. Last evaluated: 2025-10-15. Review status: criteria provided, single submitter. Criteria: Invitae Variant Classification Sherloc (09022015). Collection method: clinical testing. Allele origin: germline.

Mayo Clinic Laboratories, Mayo Clinic
Classification: Uncertain significance. Last evaluated: 2023-11-09. Review status: criteria provided, single submitter. Criteria: ACMG Guidelines, 2015. Collection method: clinical testing. Allele origin: germline. Observed: 1 variant allele.
Comment: BP4, PP2, PM1_supporting